The following is an entry in ClinVar:

ClinVar aggregate classification (germline): Uncertain significance (1 of 4 stars; one submission).

Submission:

GeneDx
Classification: Uncertain significance. Last evaluated: 2022-01-07. Review status: criteria provided, single submitter. Criteria: GeneDx Variant Classification Process June 2021. Collection method: clinical testing. Allele origin: germline. Affected: yes.
Comment: Not observed at significant frequency in large population cohorts (gnomAD); In silico analysis supports a deleterious effect on splicing; Has not been previously published as pathogenic or benign to our knowledge

NM_004360.5(CDH1):c.1936+5G>T

Gene: CDH1 (cadherin 1; plus strand). Cytogenetic location: 16q22.1.
Variant type: single nucleotide variant.
Coding change: c.1936+5G>T on transcript NM_004360.5 (MANE Select); 5 bases into the intron after coding-DNA position 1936, G replaced by T.
Molecular consequence: intron variant.
Genome position (GRCh38, 1-based): chr16:68,822,230, G>T. VCF-style: chr16-68822230-G-T. GRCh37 (hg19) VCF-style: chr16-68856133-G-T.
Other names: c.388+5G>T (NM_001317185.2); c.-30+5G>T (NM_001317186.2); c.1753+5G>T (NM_001317184.2).
Identifiers: ClinVar variation 1333045 (VCV001333045.2), dbSNP rs1567512631, ClinGen allele CA2573054268.